The following is an entry in ClinVar:

ClinVar aggregate classification (germline): Conflicting classifications of pathogenicity. Review status: criteria provided, conflicting classifications (1 of 4 stars). 2 submissions from 2 submitters: Uncertain significance (1); Likely benign (1). Last evaluated 2025-02-01.

gnomAD v4.1: 283 of 1,602,290 alleles (0.018%); highest among the groups gnomAD compares: South Asian, 0.12%; 9 homozygotes.

Submissions (2):

CeGaT Center for Human Genetics Tuebingen
Classification: Likely benign. Last evaluated: 2025-02-01. Review status: criteria provided, single submitter. Criteria: CeGaT Center For Human Genetics Tuebingen Variant Classification Criteria Version 2. Collection method: clinical testing. Allele origin: germline. Affected: yes. Observed: 1 variant allele.
Comment: PRTG: BP4, BS2

Ambry Genetics
Classification: Uncertain significance. Last evaluated: 2024-05-26. Review status: criteria provided, single submitter. Criteria: Ambry Variant Classification Scheme 2023. Collection method: clinical testing. Allele origin: germline.

NM_173814.6(PRTG):c.3160T>G (p.Phe1054Val)

Gene: PRTG (protogenin; minus strand). Cytogenetic location: 15q21.3.
Variant type: single nucleotide variant.
Coding change: c.3160T>G on transcript NM_173814.6 (MANE Select); coding-DNA position 3160, T replaced by G.
Protein change: p.Phe1054Val; replaces phenylalanine 1054 with valine.
Molecular consequence: missense variant.
Genome position (GRCh38, 1-based): chr15:55,620,701, A>C on the plus strand (T>G on the coding strand, the complement: PRTG is on the minus strand). VCF-style: chr15-55620701-A-C. GRCh37 (hg19) VCF-style: chr15-55912899-A-C.
Other names: short protein forms F1054V.
Identifiers: ClinVar variation 3310754 (VCV003310754.14).